The following is an entry in ClinVar:

ClinVar aggregate classification (germline): Uncertain significance (1 of 4 stars; one submission).

Conditions:
Hypertrophic cardiomyopathy 11. Also called: ACTC1-Related Familial Hypertrophic Cardiomyopathy. Identifiers: MedGen C2677506, MONDO:0012799, OMIM 612098.
Dilated cardiomyopathy 1R (CMD1R). Identifiers: Orphanet 154, Orphanet 54260, MedGen C3150681, MONDO:0013261, OMIM 613424.
Atrial septal defect 5 (ASD5). Identifiers: Orphanet 1478, MedGen C2748552, MONDO:0013011, OMIM 612794.

Submission:

Labcorp Genetics (formerly Invitae), Labcorp
Classification: Uncertain significance for Dilated cardiomyopathy 1R; Hypertrophic cardiomyopathy 11; Atrial septal defect 5. Last evaluated: 2023-09-06. Review status: criteria provided, single submitter. Criteria: Invitae Variant Classification Sherloc (09022015). Collection method: clinical testing. Allele origin: germline.
Comment: In summary, the available evidence is currently insufficient to determine the role of this variant in disease. Therefore, it has been classified as a Variant of Uncertain Significance. Advanced modeling of protein sequence and biophysical properties (such as structural, functional, and spatial information, amino acid conservation, physicochemical variation, residue mobility, and thermodynamic stability) performed at Invitae indicates that this missense variant is not expected to disrupt ACTC1 protein function. This variant has not been reported in the literature in individuals affected with ACTC1-related conditions. This variant is not present in population databases (gnomAD no frequency). This sequence change replaces alanine, which is neutral and non-polar, with valine, which is neutral and non-polar, at codon 31 of the ACTC1 protein (p.Ala31Val).

NM_005159.5(ACTC1):c.92C>T (p.Ala31Val)

Genes: ACTC1 (actin alpha cardiac muscle 1; minus strand), GJD2-DT (GJD2 divergent transcript; plus strand). Cytogenetic location: 15q14.
Variant type: single nucleotide variant.
Coding change: c.92C>T on transcript NM_005159.5 (MANE Select); coding-DNA position 92, C replaced by T.
Protein change: p.Ala31Val; replaces alanine 31 with valine.
Molecular consequence: missense variant.
Genome position (GRCh38, 1-based): chr15:34,794,717, G>A on the plus strand (C>T on the coding strand, the complement: ACTC1 is on the minus strand). VCF-style: chr15-34794717-G-A. GRCh37 (hg19) VCF-style: chr15-35086918-G-A.
Other names: c.92C>T, p.Ala31Val (NM_001406482.1, NM_001406483.1); short protein forms A31V.
Identifiers: ClinVar variation 2929699 (VCV002929699.3), dbSNP rs2504185480, ClinGen allele CA391633146.